The following is an entry in ClinVar:

NM_017780.4(CHD7):c.2788G>A (p.Glu930Lys)

Gene: CHD7 (chromodomain helicase DNA binding protein 7; plus strand). Cytogenetic location: 8q12.2.
Variant type: single nucleotide variant.
Coding change: c.2788G>A on transcript NM_017780.4 (MANE Select); coding-DNA position 2788, G replaced by A.
Protein change: p.Glu930Lys; replaces glutamic acid 930 with lysine.
Molecular consequence: missense variant. On other transcripts: intron variant (1).
Genome position (GRCh38, 1-based): chr8:60,821,880, G>A. VCF-style: chr8-60821880-G-A. GRCh37 (hg19) VCF-style: chr8-61734439-G-A.
Other names: c.1717-40349G>A (NM_001316690.1); short protein forms E930K.
Identifiers: ClinVar variation 260900 (VCV000260900.41), dbSNP rs377330239, ClinGen allele CA4759814.

ClinVar aggregate classification (germline): Benign/Likely benign. Review status: criteria provided, multiple submitters, no conflicts (2 of 4 stars). 7 submissions from 7 submitters: Benign (2); Likely benign (3). 2 of the submissions do not count toward it. Last evaluated 2025-08-30.

Conditions:
Inborn genetic diseases. Identifiers: MedGen C0950123, MeSH D030342.
CHARGE syndrome (CHARGE). Also called: Hittner Hirsch Kreh syndrome; Coloboma, heart anomaly, choanal atresia, retardation, genital and ear anomalies; CHARGE association; Hall-Hittner syndrome; CHARGE ASSOCIATION--COLOBOMA, HEART ANOMALY, CHOANAL ATRESIA, RETARDATION, GENITAL AND EAR ANOMALIES. Identifiers: Orphanet 138, MedGen C0265354, MONDO:0008965.

Allele frequency attached by ClinVar (database versions not stated): gnomAD exomes 0.00005 and 0.00007; ExAC 0.00006; gnomAD 0.00006 and 0.00007; TOPMed 0.00006; ESP Exome Variant Server 0.00008; 1000 Genomes Project 0.00020; 1000 Genomes Project 30x 0.00031.
gnomAD v4.1: 87 of 1,610,390 alleles (0.0054%); highest among the groups gnomAD compares: African/African-American, 0.0067%; no homozygotes.

Submissions (7):

Labcorp Genetics (formerly Invitae), Labcorp
Classification: Benign for CHARGE syndrome. Last evaluated: 2025-08-30. Review status: criteria provided, single submitter. Criteria: Invitae Variant Classification Sherloc (09022015). Collection method: clinical testing. Allele origin: germline.

Laboratory of Genetics, Children's Clinical University Hospital Latvia
Classification: Benign. Last evaluated: 2025-02-16. Review status: criteria provided, single submitter. Criteria: ACMG Guidelines, 2015. Collection method: clinical testing. Allele origin: germline. Affected: yes.

CeGaT Center for Human Genetics Tuebingen
Classification: Likely benign. Last evaluated: 2024-11-01. Review status: criteria provided, single submitter. Criteria: CeGaT Center For Human Genetics Tuebingen Variant Classification Criteria Version 2. Collection method: clinical testing. Allele origin: germline. Affected: yes. Observed: 2 variant alleles.
Comment: CHD7: BS2

Ambry Genetics
Classification: Likely benign for Inborn genetic diseases. Last evaluated: 2020-02-04. Review status: criteria provided, single submitter. Criteria: Ambry Variant Classification Scheme 2023. Collection method: clinical testing. Allele origin: germline.

PreventionGenetics, part of Exact Sciences
Classification: Likely benign. Review status: criteria provided, single submitter. Criteria: ACMG Guidelines, 2015. Collection method: clinical testing. Allele origin: germline.

Clinical Genetics, Academic Medical Center
Classification: Uncertain significance. Review status: no assertion criteria provided. Collection method: clinical testing. Allele origin: germline. Affected: yes. Study: VKGL Data-share Consensus. Not counted in ClinVar's aggregate classification.

Joint Genome Diagnostic Labs from Nijmegen and Maastricht, Radboudumc and MUMC+
Classification: Uncertain significance. Review status: no assertion criteria provided. Collection method: clinical testing. Allele origin: germline. Affected: yes. Study: VKGL Data-share Consensus. Not counted in ClinVar's aggregate classification.